The following is an entry in ClinVar:

ClinVar aggregate classification (germline): Uncertain significance (1 of 4 stars; one submission).

Conditions:
Arterial tortuosity syndrome (ATORS). Identifiers: Orphanet 3342, MedGen C1859726, MONDO:0008818, OMIM 208050.

gnomAD v4.1: 7 of 1,614,102 alleles (0.00043%); highest among the groups gnomAD compares: Non-Finnish European, 0.00059%; no homozygotes.

Submission:

Labcorp Genetics (formerly Invitae), Labcorp
Classification: Uncertain significance for Arterial tortuosity syndrome. Last evaluated: 2017-10-14. Review status: criteria provided, single submitter. Criteria: Invitae Variant Classification Sherloc (09022015). Collection method: clinical testing. Allele origin: germline.
Comment: This sequence change replaces glutamine with histidine at codon 513 of the SLC2A10 protein (p.Gln513His). The glutamine residue is moderately conserved and there is a small physicochemical difference between glutamine and histidine. This variant is not present in population databases (ExAC no frequency). This variant has not been reported in the literature in individuals with SLC2A10-related disease. Algorithms developed to predict the effect of missense changes on protein structure and function do not agree on the potential impact of this missense change (SIFT: "Tolerated"; PolyPhen-2: "Possibly Damaging"; Align-GVGD: "Class C0"). In summary, the available evidence is currently insufficient to determine the role of this variant in disease. Therefore, it has been classified as a Variant of Uncertain Significance.

NM_030777.4(SLC2A10):c.1539G>C (p.Gln513His)

Gene: SLC2A10 (solute carrier family 2 member 10; plus strand). Cytogenetic location: 20q13.12.
Variant type: single nucleotide variant.
Coding change: c.1539G>C on transcript NM_030777.4 (MANE Select); coding-DNA position 1539, G replaced by C.
Protein change: p.Gln513His; replaces glutamine 513 with histidine.
Molecular consequence: missense variant.
Genome position (GRCh38, 1-based): chr20:46,729,480, G>C. VCF-style: chr20-46729480-G-C. GRCh37 (hg19) VCF-style: chr20-45358119-G-C.
Other names: short protein forms Q513H.
Identifiers: ClinVar variation 535831 (VCV000535831.9), dbSNP rs1334989775, ClinGen allele CA409273515.